The following is an entry in ClinVar:

ClinVar aggregate classification (germline): Uncertain significance (1 of 4 stars; one submission).

Submission:

Ambry Genetics
Classification: Uncertain significance. Last evaluated: 2024-08-27. Review status: criteria provided, single submitter. Criteria: Ambry Variant Classification Scheme 2023. Collection method: clinical testing. Allele origin: germline.
Comment: The p.D1715N variant (also known as c.5143G>A), located in coding exon 16 of the POLQ gene, results from a G to A substitution at nucleotide position 5143. The aspartic acid at codon 1715 is replaced by asparagine, an amino acid with highly similar properties. This amino acid position is conserved. In addition, this alteration is predicted to be tolerated by in silico analysis. Since supporting evidence is limited at this time, the clinical significance of this alteration remains unclear.

NM_199420.4(POLQ):c.5143G>A (p.Asp1715Asn)

Gene: POLQ (DNA polymerase theta; minus strand). Cytogenetic location: 3q13.33.
Variant type: single nucleotide variant.
Coding change: c.5143G>A on transcript NM_199420.4 (MANE Select); coding-DNA position 5143, G replaced by A.
Protein change: p.Asp1715Asn; replaces aspartic acid 1715 with asparagine.
Molecular consequence: missense variant.
Genome position (GRCh38, 1-based): chr3:121,487,788, C>T on the plus strand (G>A on the coding strand, the complement: POLQ is on the minus strand). VCF-style: chr3-121487788-C-T. GRCh37 (hg19) VCF-style: chr3-121206635-C-T.
Other names: short protein forms D1715N.
Identifiers: ClinVar variation 1745619 (VCV001745619.3), dbSNP rs758244706, ClinGen allele CA354091783.
Genomic context (GRCh38, chr3:121,487,788, plus strand): 5'-TGAGACCATTATCATCAACTATATTACTTTCTTTACGAGGTAAGAGGGATGAGGTTTCAT[C>T]ATGATTGGCATTGTTTTCTAGCATCTCAATCTTGCTTTTTACTTCATTATTAGAAGAAAA-3'
Protein context (NP_955452.3, residues 1705-1725): IEMLENNANH[Asp1715Asn]ETSSLLPRKE